The following is an entry in ClinVar:

ClinVar aggregate classification (germline): Likely benign. Review status: criteria provided, multiple submitters, no conflicts (2 of 4 stars). 2 submissions from 2 submitters: Likely benign (2). Last evaluated 2024-10-15.

Conditions:
Glycogen storage disease, type V (GSD5). Also called: McArdle type glycogen storage disease; MCARDLE DISEASE; MUSCLE GLYCOGEN PHOSPHORYLASE DEFICIENCY; MYOPHOSPHORYLASE DEFICIENCY; PYGM DEFICIENCY. Identifiers: Orphanet 368, MedGen C0017924, MONDO:0009293, OMIM 232600.

Allele frequency attached by ClinVar (database versions not stated): gnomAD exomes below 0.00001; TOPMed 0.00005; gnomAD 0.00006 and 0.00007; 1000 Genomes Project 30x 0.00016; 1000 Genomes Project 0.00020.
gnomAD v4.1: 16 of 1,560,344 alleles (0.001%); highest among the groups gnomAD compares: African/African-American, 0.022%; no homozygotes.

Submissions (2):

Labcorp Genetics (formerly Invitae), Labcorp
Classification: Likely benign for Glycogen storage disease, type V. Last evaluated: 2024-10-15. Review status: criteria provided, single submitter. Criteria: Invitae Variant Classification Sherloc (09022015). Collection method: clinical testing. Allele origin: germline.

GeneDx
Classification: Likely benign. Last evaluated: 2017-01-20. Review status: criteria provided, single submitter. Criteria: GeneDx Variant Classification (06012015). Collection method: clinical testing. Allele origin: germline. Affected: yes.
Comment: This variant is considered likely benign or benign based on one or more of the following criteria: it is a conservative change, it occurs at a poorly conserved position in the protein, it is predicted to be benign by multiple in silico algorithms, and/or has population frequency not consistent with disease.

NM_005609.4(PYGM):c.1239+18G>C

Gene: PYGM (glycogen phosphorylase, muscle associated; minus strand). Cytogenetic location: 11q13.1.
Variant type: single nucleotide variant.
Coding change: c.1239+18G>C on transcript NM_005609.4 (MANE Select); 18 bases into the intron after coding-DNA position 1239, G replaced by C.
Molecular consequence: intron variant.
Genome position (GRCh38, 1-based): chr11:64,753,861, C>G on the plus strand (G>C on the coding strand, the complement: PYGM is on the minus strand). VCF-style: chr11-64753861-C-G. GRCh37 (hg19) VCF-style: chr11-64521333-C-G.
Other names: c.975+18G>C (NM_001164716.1).
Identifiers: ClinVar variation 506896 (VCV000506896.6), dbSNP rs533410561, ClinGen allele CA223900616.